The following is an entry in ClinVar:

NM_006662.3(SRCAP):c.5118C>A (p.Asn1706Lys)

Gene: SRCAP (Snf2 related CREBBP activator protein; plus strand). Cytogenetic location: 16p11.2.
Variant type: single nucleotide variant.
Coding change: c.5118C>A on transcript NM_006662.3 (MANE Select); coding-DNA position 5118, C replaced by A.
Protein change: p.Asn1706Lys; replaces asparagine 1706 with lysine.
Molecular consequence: missense variant.
Genome position (GRCh38, 1-based): chr16:30,724,542, C>A. VCF-style: chr16-30724542-C-A. GRCh37 (hg19) VCF-style: chr16-30735863-C-A.
Other names: short protein forms N1706K.
Identifiers: ClinVar variation 3032484 (VCV003032484.2), dbSNP rs745991947, ClinGen allele CA395617684.
Genomic context (GRCh38, chr16:30,724,542, plus strand): 5'-TTTAGCACCCACTCTTGGAGGCTCATCTCCATCTCAGACACTCTCTTTGGGAACGGGGAA[C>A]CCCCAGGGACCCTTTCCAACTCAGACATTGTCATTAACTCCAGCATCATCCCTGGTACCA-3'
Protein context (NP_006653.2, residues 1696-1716): PSQTLSLGTG[Asn1706Lys]PQGPFPTQTL

ClinVar aggregate classification (germline): Uncertain significance (0 of 4 stars; one submission).

Conditions:
SRCAP-related disorder. Also called: SRCAP-related condition.

gnomAD v4.1: 2 of 1,614,190 alleles (0.00012%); highest among the groups gnomAD compares: Non-Finnish European, 0.00017%; no homozygotes.

Submission:

PreventionGenetics, part of Exact Sciences
Classification: Uncertain significance for SRCAP-related condition. Last evaluated: 2023-10-26. Review status: no assertion criteria provided. Collection method: clinical testing. Allele origin: germline.
Comment: The SRCAP c.5118C>A variant is predicted to result in the amino acid substitution p.Asn1706Lys. To our knowledge, this variant has not been reported in the literature or in a large population database, indicating this variant is rare. At this time, the clinical significance of this variant is uncertain due to the absence of conclusive functional and genetic evidence.